The following is an entry in ClinVar:

NM_001165963.4(SCN1A):c.1296del (p.Thr433fs)

Gene: SCN1A (sodium voltage-gated channel alpha subunit 1; minus strand). Cytogenetic location: 2q24.3.
Variant type: Deletion.
Coding change: c.1296del on transcript NM_001165963.4 (MANE Select); coding-DNA position 1296, one base deleted (C; older notation c.1296delC).
Protein change: p.Thr433fs; shifts the reading frame from threonine 433.
Molecular consequence: frameshift variant. On other transcripts: 5 prime UTR variant (1), non-coding transcript variant (1).
Genome position (GRCh38, 1-based): chr2:166,046,851, G deleted on the plus strand (C on the coding strand, the reverse complement: SCN1A is on the minus strand); the first of 2 consecutive G bases (chr2:166,046,851-166,046,852); deleting either gives the same sequence. VCF-style (leftmost placement, unchanged base first): chr2-166046850-TG-T. GRCh37 (hg19) VCF-style: chr2-166903360-TG-T.
Other names: c.1296del, p.Thr433fs (NM_001165964.3, NM_001202435.3, NM_001353948.2 and 10 more transcripts); c.-1130del (NM_001353961.2); short protein forms T433fs.
Identifiers: ClinVar variation 530505 (VCV000530505.8), dbSNP rs1553546789, ClinGen allele CA658795922.

ClinVar aggregate classification (germline): Pathogenic (1 of 4 stars; one submission).

Conditions:
Early-infantile DEE. Also called: Early infantile epileptic encephalopathy; Early infantile epileptic encephalopathy with suppression bursts; Ohtahara syndrome. Identifiers: Orphanet 1934, MedGen C0393706, MONDO:0800491.

Submission:

Labcorp Genetics (formerly Invitae), Labcorp
Classification: Pathogenic for Early-infantile DEE. Last evaluated: 2021-03-26. Review status: criteria provided, single submitter. Criteria: Invitae Variant Classification Sherloc (09022015). Collection method: clinical testing. Allele origin: germline.
Comment: Loss-of-function variants in SCN1A are known to be pathogenic (PMID: 17347258, 18930999). This sequence change creates a premature translational stop signal (p.Thr433Profs*15) in the SCN1A gene. It is expected to result in an absent or disrupted protein product. This variant is not present in population databases (ExAC no frequency). This variant has not been reported in the literature in individuals with SCN1A-related disease. ClinVar contains an entry for this variant (Variation ID: 530505). For these reasons, this variant has been classified as Pathogenic.

Literature cited by the submitters: PubMed 17347258; PubMed 18930999.